The following is an entry in ClinVar:

NM_004380.3(CREBBP):c.4364T>G (p.Ile1455Ser)

Gene: CREBBP (CREB binding lysine acetyltransferase; minus strand). Cytogenetic location: 16p13.3.
Variant type: single nucleotide variant.
Coding change: c.4364T>G on transcript NM_004380.3 (MANE Select); coding-DNA position 4364, T replaced by G.
Protein change: p.Ile1455Ser; replaces isoleucine 1455 with serine.
Molecular consequence: missense variant.
Genome position (GRCh38, 1-based): chr16:3,738,589, A>C on the plus strand (T>G on the coding strand, the complement: CREBBP is on the minus strand). VCF-style: chr16-3738589-A-C. GRCh37 (hg19) VCF-style: chr16-3788590-A-C.
Other names: c.4250T>G, p.Ile1417Ser (NM_001079846.1); short protein forms I1417S, I1455S.
Identifiers: ClinVar variation 2697051 (VCV002697051.3), dbSNP rs2151334113, ClinGen allele CA394564337.

ClinVar aggregate classification (germline): Uncertain significance (1 of 4 stars; one submission).

Conditions:
Rubinstein-Taybi syndrome (RSTS). Identifiers: Orphanet 783, MedGen C0035934, MONDO:0019188.

Submission:

Labcorp Genetics (formerly Invitae), Labcorp
Classification: Uncertain significance for Rubinstein-Taybi syndrome. Last evaluated: 2024-01-25. Review status: criteria provided, single submitter. Criteria: Invitae Variant Classification Sherloc (09022015). Collection method: clinical testing. Allele origin: germline.
Comment: This sequence change replaces isoleucine, which is neutral and non-polar, with serine, which is neutral and polar, at codon 1455 of the CREBBP protein (p.Ile1455Ser). This variant is not present in population databases (gnomAD no frequency). This variant has not been reported in the literature in individuals affected with CREBBP-related conditions. Advanced modeling of protein sequence and biophysical properties (such as structural, functional, and spatial information, amino acid conservation, physicochemical variation, residue mobility, and thermodynamic stability) has been performed at Invitae for this missense variant, however the output from this modeling did not meet the statistical confidence thresholds required to predict the impact of this variant on CREBBP protein function. In summary, the available evidence is currently insufficient to determine the role of this variant in disease. Therefore, it has been classified as a Variant of Uncertain Significance.